The following is an entry in ClinVar:

ClinVar aggregate classification (germline): Likely pathogenic (1 of 4 stars; one submission).

Submission:

GeneDx
Classification: Likely pathogenic. Last evaluated: 2023-03-22. Review status: criteria provided, single submitter. Criteria: GeneDx Variant Classification Process June 2021. Collection method: clinical testing. Allele origin: germline. Affected: yes.
Comment: Observed in hemizygous state in a patient with clinical features of chondrodysplasia punctata in the literature (Nino et al., 2008); Published functional studies demonstrate a damaging effect on enzymatic activity (Matos-Miranda et al., 2013); In silico analysis supports that this missense variant has a deleterious effect on protein structure/function; Not observed at significant frequency in large population cohorts (gnomAD); This variant is associated with the following publications: (PMID: 18348268, 23470839)

NM_000047.3(ARSL):c.1226C>T (p.Thr409Met)

Gene: ARSL (arylsulfatase L; minus strand). Cytogenetic location: Xp22.33.
Variant type: single nucleotide variant.
Coding change: c.1226C>T on transcript NM_000047.3 (MANE Select); coding-DNA position 1226, C replaced by T.
Protein change: p.Thr409Met; replaces threonine 409 with methionine.
Molecular consequence: missense variant.
Genome position (GRCh38, 1-based): chrX:2,938,158, G>A on the plus strand (C>T on the coding strand, the complement: ARSL is on the minus strand). VCF-style: chrX-2938158-G-A. GRCh37 (hg19) VCF-style: chrX-2856199-G-A.
Other names: c.1301C>T, p.Thr434Met (NM_001282628.2, NM_001369080.1); c.1064C>T, p.Thr355Met (NM_001282631.2); c.1253C>T, p.Thr418Met (NM_001369079.1); short protein forms T355M, T409M, T418M, T434M.
Identifiers: ClinVar variation 2580696 (VCV002580696.1), dbSNP rs1341359606, ClinGen allele CA412276954.